The following is an entry in ClinVar:

ClinVar aggregate classification (germline): Uncertain significance. Review status: criteria provided, multiple submitters, no conflicts (2 of 4 stars). 2 submissions from 2 submitters: Uncertain significance (2). Last evaluated 2024-08-05.

Conditions:
Familial cancer of breast. Also called: BREAST CANCER, FAMILIAL; hereditary breast carcinoma; Hereditary breast cancer. Identifiers: Orphanet 227535, MedGen C0346153, MONDO:0016419, OMIM 114480. Disease mechanism: loss of function.
Fanconi anemia complementation group J. Also called: BRIP1-Related Fanconi Anemia. Identifiers: Orphanet 84, MedGen C1836860, MONDO:0012187, OMIM 609054.
Hereditary cancer-predisposing syndrome. Also called: Neoplastic Syndromes, Hereditary; Hereditary Cancer Syndrome; Tumor predisposition; Hereditary neoplastic syndrome. Identifiers: Orphanet 140162, MedGen C0027672, MeSH D009386, MONDO:0015356.

Submissions (2):

Ambry Genetics
Classification: Uncertain significance for Hereditary cancer-predisposing syndrome. Last evaluated: 2024-08-05. Review status: criteria provided, single submitter. Criteria: Ambry Variant Classification Scheme 2023. Collection method: clinical testing. Allele origin: germline.
Comment: The p.W592R variant (also known as c.1774T>C), located in coding exon 11 of the BRIP1 gene, results from a T to C substitution at nucleotide position 1774. The tryptophan at codon 592 is replaced by arginine, an amino acid with dissimilar properties. This alteration was identified in an individual diagnosed with breast cancer (Nurmi AK et al. Cancers (Basel), 2022 Dec;14:). This amino acid position is highly conserved in available vertebrate species. In addition, this alteration is predicted to be deleterious by in silico analysis. Based on the available evidence, the clinical significance of this variant remains unclear.

Labcorp Genetics (formerly Invitae), Labcorp
Classification: Uncertain significance for Familial cancer of breast; Fanconi anemia complementation group J. Last evaluated: 2023-07-16. Review status: criteria provided, single submitter. Criteria: Invitae Variant Classification Sherloc (09022015). Collection method: clinical testing. Allele origin: germline.
Comment: This sequence change replaces tryptophan, which is neutral and slightly polar, with arginine, which is basic and polar, at codon 592 of the BRIP1 protein (p.Trp592Arg). This variant is not present in population databases (gnomAD no frequency). This variant has not been reported in the literature in individuals affected with BRIP1-related conditions. Advanced modeling of protein sequence and biophysical properties (such as structural, functional, and spatial information, amino acid conservation, physicochemical variation, residue mobility, and thermodynamic stability) performed at Invitae indicates that this missense variant is expected to disrupt BRIP1 protein function. In summary, the available evidence is currently insufficient to determine the role of this variant in disease. Therefore, it has been classified as a Variant of Uncertain Significance.

Literature cited by the submitters: PubMed 36551643 (cited by Ambry Genetics).

NM_032043.3(BRIP1):c.1774T>C (p.Trp592Arg)

Gene: BRIP1 (BRCA1 interacting DNA helicase 1; minus strand). Cytogenetic location: 17q23.2.
Variant type: single nucleotide variant.
Coding change: c.1774T>C on transcript NM_032043.3 (MANE Select); coding-DNA position 1774, T replaced by C.
Protein change: p.Trp592Arg; replaces tryptophan 592 with arginine.
Molecular consequence: missense variant.
Genome position (GRCh38, 1-based): chr17:61,780,860, A>G on the plus strand (T>C on the coding strand, the complement: BRIP1 is on the minus strand). VCF-style: chr17-61780860-A-G. GRCh37 (hg19) VCF-style: chr17-59858221-A-G.
Other names: short protein forms W592R.
Identifiers: ClinVar variation 2564596 (VCV002564596.6), dbSNP rs587780231, ClinGen allele CA400480284.